The following is an entry in ClinVar:

ClinVar aggregate classification (germline): Uncertain significance (1 of 4 stars; one submission).

Submission:

GeneDx
Classification: Uncertain significance. Last evaluated: 2026-05-13. Review status: criteria provided, single submitter. Criteria: GeneDx Variant Classification Process June 2021. Collection method: clinical testing. Allele origin: germline.
Comment: Not observed at significant frequency in large population cohorts (gnomAD); In silico analysis supports that this missense variant has a deleterious effect on protein structure/function; Has not been previously published as pathogenic or benign to our knowledge

NM_001170535.3(ATAD3A):c.503C>A (p.Ala168Asp)

Gene: ATAD3A (ATPase family AAA domain containing 3A; plus strand). Cytogenetic location: 1p36.33.
Variant type: single nucleotide variant.
Coding change: c.503C>A on transcript NM_001170535.3 (MANE Select); coding-DNA position 503, C replaced by A.
Protein change: p.Ala168Asp; replaces alanine 168 with aspartic acid.
Molecular consequence: missense variant.
Genome position (GRCh38, 1-based): chr1:1,518,979, C>A. VCF-style: chr1-1518979-C-A. GRCh37 (hg19) VCF-style: chr1-1454359-C-A.
Other names: c.266C>A, p.Ala89Asp (NM_001170536.3); c.647C>A, p.Ala216Asp (NM_018188.5); short protein forms A168D, A216D, A89D.
Identifiers: ClinVar variation 4281862 (VCV004281862.2).